The following is an entry in ClinVar:

NM_020975.6(RET):c.59C>A (p.Pro20Gln)

Gene: RET (ret proto-oncogene; plus strand). Cytogenetic location: 10q11.21.
Variant type: single nucleotide variant.
Coding change: c.59C>A on transcript NM_020975.6 (MANE Select); coding-DNA position 59, C replaced by A.
Protein change: p.Pro20Gln; replaces proline 20 with glutamine.
Molecular consequence: missense variant.
Genome position (GRCh38, 1-based): chr10:43,077,317, C>A. VCF-style: chr10-43077317-C-A. GRCh37 (hg19) VCF-style: chr10-43572765-C-A.
Other names: c.59C>A, p.Pro20Gln (NM_000323.2, NM_001406743.1, NM_001406744.1 and 38 more transcripts); short protein forms P20Q.
Identifiers: ClinVar variation 952569 (VCV000952569.16), dbSNP rs1837067697, ClinGen allele CA376768103.
Genomic context (GRCh38, chr10:43,077,317, plus strand): 5'-CGATGGCGAAGGCGACGTCCGGTGCCGCGGGGCTGCGTCTGCTGTTGCTGCTGCTGCTGC[C>A]GCTGCTAGGCAAAGGTGAGTTCTGCCGGCCGCCGGCTCCCGCAGGGGCCAGGGCGAAGTT-3'
Protein context (NP_066124.1, residues 10-30): GLRLLLLLLL[Pro20Gln]LLGKVALGLY

ClinVar aggregate classification (germline): Uncertain significance. Review status: criteria provided, multiple submitters, no conflicts (2 of 4 stars). 5 submissions from 5 submitters: Uncertain significance (5). Last evaluated 2025-09-28.

Conditions:
Multiple endocrine neoplasia type 2B. Also called: Multiple endocrine neoplasia, type 3; MEN 2B; MULTIPLE ENDOCRINE NEOPLASIA, TYPE IIB; MUCOSAL NEUROMA SYNDROME; Multiple Endocrine Neoplasia Type 2B (MEN2B); MEN IIB. Identifiers: Orphanet 247709, Orphanet 653, MedGen C0025269, MeSH D018814, MONDO:0008082, OMIM 162300.
Hirschsprung disease, susceptibility to, 1 (HSCR1). Also called: RET-Related Hirschsprung Disease. Identifiers: Orphanet 388, MedGen C3888239, MONDO:0007723, OMIM 142623.
Pheochromocytoma. Also called: MAX-Related Hereditary Paraganglioma-Pheochromocytoma Syndrome. Identifiers: Orphanet 29072, MedGen C0031511, MONDO:0008233, OMIM 171300, HP:0002666.
Multiple endocrine neoplasia type 2A. Also called: MULTIPLE ENDOCRINE NEOPLASIA, TYPE IIA; PTC SYNDROME; SIPPLE SYNDROME; MEN 2A; MEN-2A syndrome; Pheochromocytoma and amyloid producing medullary thyroid carcinoma. Identifiers: Orphanet 247698, Orphanet 653, MedGen C0025268, MeSH D018813, MONDO:0008234, OMIM 171400.
Familial medullary thyroid carcinoma (MTC). Also called: Thyroid cancer, familial medullary; MTC, familial; Familial Medullary Thyroid Carcinoma (FMTC). Identifiers: Orphanet 653, Orphanet 99361, MedGen C1833921, MONDO:0007958, OMIM 155240.
Hereditary cancer-predisposing syndrome. Also called: Hereditary Cancer Syndrome; Hereditary neoplastic syndrome; Tumor predisposition; Neoplastic Syndromes, Hereditary. Identifiers: Orphanet 140162, MedGen C0027672, MeSH D009386, MONDO:0015356.
Multiple endocrine neoplasia, type 2 (MEN2). Identifiers: Orphanet 653, MedGen C4048306, MONDO:0019003. Disease mechanism: gain of function.

Allele frequency attached by ClinVar (database versions not stated): gnomAD 0.00001.

Submissions (5):

Labcorp Genetics (formerly Invitae), Labcorp
Classification: Uncertain significance for Multiple endocrine neoplasia, type 2. Last evaluated: 2025-09-28. Review status: criteria provided, single submitter. Criteria: Invitae Variant Classification Sherloc (09022015). Collection method: clinical testing. Allele origin: germline.
Comment: This sequence change replaces proline, which is neutral and non-polar, with glutamine, which is neutral and polar, at codon 20 of the RET protein (p.Pro20Gln). This variant is not present in population databases (gnomAD no frequency). This variant has not been reported in the literature in individuals affected with RET-related conditions. ClinVar contains an entry for this variant (Variation ID: 952569). An algorithm developed to predict the effect of missense changes on protein structure and function (PolyPhen-2) suggests that this variant is likely to be disruptive. In summary, the available evidence is currently insufficient to determine the role of this variant in disease. Therefore, it has been classified as a Variant of Uncertain Significance.

All of Us Research Program, National Institutes of Health
Classification: Uncertain significance for Multiple endocrine neoplasia, type 2. Last evaluated: 2024-05-30. Review status: criteria provided, single submitter. Criteria: ACMG Guidelines, 2015. Collection method: clinical testing. Allele origin: germline. Inheritance: Autosomal dominant inheritance. Observed: 5 variant alleles, 5 heterozygotes.
Comment: This missense variant replaces proline with glutamine at codon 20 of the RET protein. Computational prediction suggests that this variant may not impact protein structure and function (internally defined REVEL score threshold <= 0.5, PMID: 27666373). To our knowledge, functional studies have not been reported for this variant. This variant has not been reported in individuals affected with RET-related disorders in the literature. This variant has not been identified in the general population by the Genome Aggregation Database (gnomAD). The available evidence is insufficient to determine the role of this variant in disease conclusively. Therefore, this variant is classified as a Variant of Uncertain Significance.

This study involves interpretation of variants in research participants for the purpose of population health screening. Participant phenotype was not available at the time of variant classification. Additional details can be found in publication PMID: 35346344, PMCID: PMC8962531

Fulgent Genetics
Classification: Uncertain significance for Hirschsprung disease, susceptibility to, 1; Familial medullary thyroid carcinoma; Multiple endocrine neoplasia type 2B; Pheochromocytoma; Multiple endocrine neoplasia type 2A. Last evaluated: 2024-04-22. Review status: criteria provided, single submitter. Criteria: ACMG Guidelines, 2015. Collection method: clinical testing. Allele origin: germline.

Ambry Genetics
Classification: Uncertain significance for Hereditary cancer-predisposing syndrome. Last evaluated: 2024-03-13. Review status: criteria provided, single submitter. Criteria: Ambry Variant Classification Scheme 2023. Collection method: clinical testing. Allele origin: germline.
Comment: The p.P20Q variant (also known as c.59C>A), located in coding exon 1 of the RET gene, results from a C to A substitution at nucleotide position 59. The proline at codon 20 is replaced by glutamine, an amino acid with similar properties. This amino acid position is conserved. In addition, the in silico prediction for this alteration is inconclusive. Since supporting evidence is limited at this time, the clinical significance of this alteration remains unclear.

GeneDx
Classification: Uncertain significance. Last evaluated: 2023-11-06. Review status: criteria provided, single submitter. Criteria: GeneDx Variant Classification Process June 2021. Collection method: clinical testing. Allele origin: germline. Affected: yes.
Comment: Not observed at significant frequency in large population cohorts (gnomAD); In silico analysis supports that this missense variant does not alter protein structure/function; Has not been previously published as pathogenic or benign to our knowledge